The following is an entry in ClinVar:

ClinVar aggregate classification (germline): Likely benign (1 of 4 stars; one submission).

Conditions:
DICER1-related tumor predisposition. Also called: DICER1 syndrome; DICER1-related pleuropulmonary blastoma cancer predisposition syndrome. Identifiers: Orphanet 284343, MedGen C3839822, MONDO:0100216.

Submission:

Myriad Genetics, Inc.
Classification: Likely benign for DICER1-related tumor predisposition. Last evaluated: 2026-08-17. Review status: criteria provided, single submitter. Criteria: Myriad Autosomal Dominant, Autosomal Recessive and X-Linked Classification Criteria (2023). Collection method: clinical testing. Allele origin: unknown.
Comment: This variant is considered likely benign. This variant is intronic and is not expected to impact mRNA splicing.

NM_177438.3(DICER1):c.1908-18A>T

Gene: DICER1 (dicer 1, ribonuclease III; minus strand). Cytogenetic location: 14q32.13.
Variant type: single nucleotide variant.
Coding change: c.1908-18A>T on transcript NM_177438.3 (MANE Select); 18 bases into the intron before coding-DNA position 1908, A replaced by T.
Molecular consequence: intron variant.
Genome position (GRCh38, 1-based): chr14:95,113,242, T>A on the plus strand (A>T on the coding strand, the complement: DICER1 is on the minus strand). VCF-style: chr14-95113242-T-A. GRCh37 (hg19) VCF-style: chr14-95579579-T-A.
Other names: c.1908-18A>T (NM_001291628.2, NM_030621.4, NM_001395677.1 and 12 more transcripts); c.1503-18A>T (NM_001395690.1, NM_001395687.1, NM_001395689.1 and 3 more transcripts); c.1626-18A>T (NM_001395686.1); c.1341-18A>T (NM_001395691.1); c.225-18A>T (NM_001395697.1).
Identifiers: ClinVar variation 5042148 (VCV005042148.1).
Genomic context (GRCh38, chr14:95,113,242, plus strand): 5'-AGCTAGATGAGTAAACGGATCACTTGGTAATCTAGCACAGTATCTGTGAAGAAAAAGAAA[T>A]TCTGAGGCTGAATCTACAACTGAGAAAATATTGATATTTATAACCTCGAGTTTGATTTGT-3'